The following is an entry in ClinVar:

ClinVar aggregate classification (germline): Pathogenic. Review status: criteria provided, multiple submitters, no conflicts (2 of 4 stars). 2 submissions from 2 submitters: Pathogenic (2). Last evaluated 2025-05-20.

Conditions:
Inborn genetic diseases. Identifiers: MedGen C0950123, MeSH D030342.

Submissions (2):

GeneDx
Classification: Pathogenic. Last evaluated: 2025-05-20. Review status: criteria provided, single submitter. Criteria: GeneDx Variant Classification Process June 2021. Collection method: clinical testing. Allele origin: germline. Affected: yes.
Comment: Nonsense variant predicted to result in protein truncation or nonsense mediated decay in a gene for which loss of function is a known mechanism of disease; Not observed at significant frequency in large population cohorts (gnomAD); This variant is associated with the following publications: (PMID: 32519823)

Ambry Genetics
Classification: Pathogenic for Inborn genetic diseases. Last evaluated: 2017-11-08. Review status: criteria provided, single submitter. Criteria: Ambry exome assertion method (8-5-2015). Collection method: clinical testing. Allele origin: germline. Affected: yes. Observed: 1 variant allele.

NM_139058.3(ARX):c.922G>T (p.Glu308Ter)

Gene: ARX (aristaless related homeobox; minus strand). Cytogenetic location: Xp21.3.
Variant type: single nucleotide variant.
Coding change: c.922G>T on transcript NM_139058.3 (MANE Select); coding-DNA position 922, G replaced by T.
Protein change: p.Glu308Ter; replaces glutamic acid 308 with a stop codon.
Molecular consequence: nonsense.
Genome position (GRCh38, 1-based): chrX:25,013,073, C>A on the plus strand (G>T on the coding strand, the complement: ARX is on the minus strand). VCF-style: chrX-25013073-C-A. GRCh37 (hg19) VCF-style: chrX-25031190-C-A.
Other names: short protein forms E308*.
Identifiers: ClinVar variation 522170 (VCV000522170.5), dbSNP rs1556055108, ClinGen allele CA412612157.